The following is an entry in ClinVar:

ClinVar aggregate classification (germline): Uncertain significance (1 of 4 stars; one submission).

Submission:

Women's Health and Genetics/Laboratory Corporation of America, LabCorp
Classification: Uncertain significance. Last evaluated: 2024-10-25. Review status: criteria provided, single submitter. Criteria: LabCorp Variant Classification Summary - May 2015. Collection method: clinical testing. Allele origin: germline.
Comment: Variant summary: BCKDHA c.1206_1211dupACCCAA (p.Lys402_Pro403dup) results in an in-frame duplication that is predicted to duplicate two amino acids into the encoded protein. The variant was absent in 249076 control chromosomes. The available data on variant occurrences in the general population are insufficient to allow any conclusion about variant significance. c.1206_1211dupACCCAA has been reported in the literature in individuals affected with Maple Syrup Urine Disease (Park_2011). These data do not allow any conclusion about variant significance. To our knowledge, no experimental evidence demonstrating an impact on protein function has been reported. The following publication have been ascertained in the context of this evaluation (PMID: 21844576).No submitters have cited clinical-significance assessments for this variant to ClinVar. Based on the evidence outlined above, the variant was classified as uncertain significance.

Literature cited by the submitters: PubMed 21844576.

NM_000709.4(BCKDHA):c.1206_1211dup (p.Pro403_Asn404insLysPro)

Gene: BCKDHA (branched chain keto acid dehydrogenase E1 subunit alpha; plus strand). Cytogenetic location: 19q13.2.
Variant type: Duplication.
Coding change: c.1206_1211dup on transcript NM_000709.4 (MANE Select); coding-DNA positions 1206 to 1211, 6 bases duplicated (ACCCAA; older notation c.1206_1211dupACCCAA).
Protein change: p.Pro403_Asn404insLysPro.
Genome position (GRCh38, 1-based): chr19:41,424,476-41,424,481, ACCCAA duplicated; duplicating any 6 consecutive bases within chr19:41,424,471-41,424,481 gives the same sequence; the c. name uses the placement nearest the transcript's 3' end. VCF-style (leftmost placement, unchanged base first): chr19-41424470-G-GCCCAAA. GRCh37 (hg19) VCF-style: chr19-41930375-G-GCCCAAA.
Other names: c.1203_1208dup, p.Pro402_Asn403insLysPro (NM_001164783.2); c.1206_1211dupACCCAA (NM_000709.4).
Identifiers: ClinVar variation 3385075 (VCV003385075.1).